The following is an entry in ClinVar:

ClinVar aggregate classification (germline): Likely benign (1 of 4 stars; one submission).

Allele frequency attached by ClinVar (database versions not stated): ExAC 0.00001.
gnomAD v4.1: 1 of 1,610,966 alleles (0.000062%); highest among the groups gnomAD compares: South Asian, 0.0011%; no homozygotes.

Submission:

CeGaT Center for Human Genetics Tuebingen
Classification: Likely benign. Last evaluated: 2022-07-01. Review status: criteria provided, single submitter. Criteria: CeGaT Center For Human Genetics Tuebingen Variant Classification Criteria Version 2. Collection method: clinical testing. Allele origin: germline. Affected: yes. Observed: 1 variant allele.
Comment: MRGPRX1: BP4, BP7

NM_001393578.1(MRGPRX1):c.690G>A (p.Leu230=)

Gene: MRGPRX1 (MAS related GPR family member X1; minus strand). Cytogenetic location: 11p15.1.
Variant type: single nucleotide variant.
Coding change: c.690G>A on transcript NM_001393578.1 (MANE Select); coding-DNA position 690, G replaced by A.
Protein change: p.Leu230=; no amino-acid change (leucine 230 retained).
Molecular consequence: synonymous variant.
Genome position (GRCh38, 1-based): chr11:18,934,095, C>T on the plus strand (G>A on the coding strand, the complement: MRGPRX1 is on the minus strand). VCF-style: chr11-18934095-C-T. GRCh37 (hg19) VCF-style: chr11-18955642-C-T.
Other names: c.690G>A, p.Leu230= (NM_147199.4).
Identifiers: ClinVar variation 2641670 (VCV002641670.24), dbSNP rs753251918, ClinGen allele CA5915444.
Genomic context (GRCh38, chr11:18,934,095, plus strand): 5'-AAATAAGACTTCCCTGTCCACGTGGATCCATAAAAATAGGAAAAACTGAATGCCAAAGGG[C>T]AGGCCACAGAGGAGGAAGACCAGTACTGTGAGCAGGATGGTCACGTACAGCCTGGTCAGC-3'
Protein context (NP_001380507.1, residues 220-240): LTVLVFLLCG[Leu230=]PFGIQFFLFL